The following is an entry in ClinVar:

NM_000492.4(CFTR):c.3964-78_4242+577del

Genes: CFTR (CF transmembrane conductance regulator; plus strand), LOC111674477 (CFTR intron 23 enhancer; plus strand). Cytogenetic location: 7q31.2.
Variant type: Deletion.
Coding change: c.3964-78_4242+577del on transcript NM_000492.4 (MANE Select); 78 bases into the intron before coding-DNA position 3964 through 577 bases into the intron after coding-DNA position 4242, 1,532 bases deleted.
Molecular consequence: splice acceptor variant, splice donor variant.
Genome position (GRCh38, 1-based): chr7:117,664,610-117,666,141, 1,532 bases deleted. GRCh37 (hg19): chr7:117,304,664-117,306,195.
Other names: CFTRdele22,23.
Identifiers: ClinVar variation 66104 (VCV000066104.3), ClinGen allele CA264802.

ClinVar aggregate classification (germline): Pathogenic. Review status: reviewed by expert panel (3 of 4 stars). 3 submissions from 3 submitters: Pathogenic (1). 2 of the submissions do not count toward it. Last evaluated 2017-03-17.

Conditions:
Cystic fibrosis (CF). Also called: MUCOVISCIDOSIS. Identifiers: Orphanet 586, MedGen C0010674, MONDO:0009061, OMIM 219700. Disease mechanism: loss of function.

Submissions (3):

CFTR2
Classification: Pathogenic for Cystic fibrosis. Last evaluated: 2017-03-17. Review status: reviewed by expert panel. Criteria: Sosnay PR et al. (Nat Genet 2013). Collection method: research. Allele origin: germline. Affected: yes. Study: CFTR2.

Johns Hopkins Genomics, Johns Hopkins University
Classification: Pathogenic for Cystic fibrosis. Last evaluated: 2021-04-15. Review status: criteria provided, single submitter. Criteria: ACMG Guidelines, 2015. Collection method: clinical testing. Allele origin: germline. Not counted in ClinVar's aggregate classification.
Comment: Disease-causing CFTR variant. See CFTR2 for phenotype information.

CFTR-France
Classification: Pathogenic for cystic fibrosis. Last evaluated: 2018-01-29. Review status: criteria provided, single submitter. Criteria: Claustres M et al. (Hum Mutat 2017). Collection method: curation. Allele origin: germline. Affected: yes. Not counted in ClinVar's aggregate classification.